The following is an entry in ClinVar:

ClinVar aggregate classification (germline): Conflicting classifications of pathogenicity. Review status: criteria provided, conflicting classifications (1 of 4 stars). 2 submissions from 2 submitters: Uncertain significance (1); Likely benign (1). Last evaluated 2024-09-20.

Conditions:
ANKRD17-related disorder. Also called: ANKRD17-related condition.
Chopra-Amiel-Gordon syndrome (CAGS). Also called: ANKRD17-Related Neurodevelopmental Syndrome. Identifiers: MedGen C5561975, MONDO:0859186, OMIM 619504.

Submissions (2):

3billion
Classification: Likely benign for Chopra-Amiel-Gordon syndrome. Last evaluated: 2024-09-20. Review status: criteria provided, single submitter. Criteria: ACMG Guidelines, 2015. Collection method: clinical testing. Allele origin: germline. Affected: no.
Comment: The variant was identified in at least one patient who was diagnosed with a different variant in another gene and showed no symptoms related to the gene containing the variant in question.

PreventionGenetics, part of Exact Sciences
Classification: Uncertain significance for ANKRD17-related condition. Last evaluated: 2023-06-23. Review status: criteria provided, single submitter. Criteria: ACMG Guidelines, 2015. Collection method: clinical testing. Allele origin: germline.
Comment: The ANKRD17 c.2776T>G variant is predicted to result in the amino acid substitution p.Tyr926Asp. To our knowledge, this variant has not been reported in the literature or in a large population database, indicating this variant is rare. At this time, the clinical significance of this variant is uncertain due to the absence of conclusive functional and genetic evidence.

NM_032217.5(ANKRD17):c.2776T>G (p.Tyr926Asp)

Gene: ANKRD17 (ankyrin repeat domain 17; minus strand). Cytogenetic location: 4q13.3.
Variant type: single nucleotide variant.
Coding change: c.2776T>G on transcript NM_032217.5 (MANE Select); coding-DNA position 2776, T replaced by G.
Protein change: p.Tyr926Asp; replaces tyrosine 926 with aspartic acid.
Molecular consequence: missense variant. On other transcripts: intron variant (1).
Genome position (GRCh38, 1-based): chr4:73,139,840, A>C on the plus strand (T>G on the coding strand, the complement: ANKRD17 is on the minus strand). VCF-style: chr4-73139840-A-C. GRCh37 (hg19) VCF-style: chr4-74005557-A-C.
Other names: c.2437T>G, p.Tyr813Asp (NM_001286771.3); c.2776T>G, p.Tyr926Asp (NM_015574.2); c.2332+1901T>G (NM_198889.3); short protein forms Y813D, Y926D.
Identifiers: ClinVar variation 2632652 (VCV002632652.2), dbSNP rs2530967533, ClinGen allele CA357221859.